The following is an entry in ClinVar:

ClinVar aggregate classification (germline): Uncertain significance (1 of 4 stars; one submission).

Conditions:
Autosomal recessive severe congenital neutropenia due to CSF3R deficiency. Also called: Neutropenia, severe congenital, 7, autosomal recessive. Identifiers: Orphanet 420702, MedGen C4310764, MONDO:0014865, OMIM 617014.

Allele frequency attached by ClinVar (database versions not stated): gnomAD exomes 0.00001; ExAC 0.00002; TOPMed 0.00002; gnomAD 0.00004; 1000 Genomes Project 0.00020; 1000 Genomes Project 30x 0.00031.
gnomAD v4.1: 21 of 1,610,424 alleles (0.0013%); highest among the groups gnomAD compares: African/African-American, 0.008%; no homozygotes.

Submission:

Labcorp Genetics (formerly Invitae), Labcorp
Classification: Uncertain significance for Autosomal recessive severe congenital neutropenia due to CSF3R deficiency. Last evaluated: 2025-06-16. Review status: criteria provided, single submitter. Criteria: Invitae Variant Classification Sherloc (09022015). Collection method: clinical testing. Allele origin: germline.
Comment: This sequence change replaces arginine, which is basic and polar, with cysteine, which is neutral and slightly polar, at codon 769 of the CSF3R protein (p.Arg769Cys). This variant is present in population databases (rs201556754, gnomAD 0.008%). This variant has not been reported in the literature in individuals affected with CSF3R-related conditions. ClinVar contains an entry for this variant (Variation ID: 2142768). An algorithm developed to predict the effect of missense changes on protein structure and function (PolyPhen-2) suggests that this variant is likely to be disruptive. In summary, the available evidence is currently insufficient to determine the role of this variant in disease. Therefore, it has been classified as a Variant of Uncertain Significance.

NM_000760.4(CSF3R):c.2305C>T (p.Arg769Cys)

Gene: CSF3R (colony stimulating factor 3 receptor; minus strand). Cytogenetic location: 1p34.3.
Variant type: single nucleotide variant.
Coding change: c.2305C>T on transcript NM_000760.4 (MANE Select); coding-DNA position 2305, C replaced by T.
Protein change: p.Arg769Cys; replaces arginine 769 with cysteine.
Molecular consequence: missense variant. On other transcripts: intron variant (1).
Genome position (GRCh38, 1-based): chr1:36,466,563, G>A on the plus strand (C>T on the coding strand, the complement: CSF3R is on the minus strand). VCF-style: chr1-36466563-G-A. GRCh37 (hg19) VCF-style: chr1-36932164-G-A.
Other names: c.2386C>T, p.Arg796Cys (NM_156039.3); c.2247+58C>T (NM_172313.3); short protein forms R796C, R769C.
Identifiers: ClinVar variation 2142768 (VCV002142768.4), dbSNP rs201556754, ClinGen allele CA768913.